The following is an entry in ClinVar:

ClinVar aggregate classification (germline): Conflicting classifications of pathogenicity. Review status: criteria provided, conflicting classifications (1 of 4 stars). 9 submissions from 9 submitters: Uncertain significance (4); Likely benign (4). 1 of the submissions does not count toward it. Last evaluated 2026-05-01.

Conditions:
Cardiovascular phenotype. Identifiers: MedGen CN230736.
ANK2-related disorder. Also called: ANK2-related condition.
Long QT syndrome (LQTS). Identifiers: MedGen C0023976, MeSH D008133, MONDO:0002442. Disease mechanism: loss of function. Inheritance: Various modes of inheritance.
Cardiac arrhythmia, ankyrin-B-related. Also called: ANKYRIN-B SYNDROME. Identifiers: Orphanet 101016, Orphanet 768, MedGen C1970119, MONDO:0010958, OMIM 600919.

Allele frequency attached by ClinVar (database versions not stated): ESP Exome Variant Server 0.00008; 1000 Genomes Project 0.00020; gnomAD 0.00028 and 0.00068; 1000 Genomes Project 30x 0.00047; TOPMed 0.00100.
gnomAD v4.1: 631 of 1,613,744 alleles (0.039%); highest among the groups gnomAD compares: Non-Finnish European, 0.045%; 3 homozygotes.

Submissions (9):

CeGaT Center for Human Genetics Tuebingen
Classification: Likely benign. Last evaluated: 2026-05-01. Review status: criteria provided, single submitter. Criteria: CeGaT Center For Human Genetics Tuebingen Variant Classification Criteria Version 2. Collection method: clinical testing. Allele origin: germline. Affected: yes. Observed: 3 variant alleles.
Comment: ANK2: BS1

Labcorp Genetics (formerly Invitae), Labcorp
Classification: Uncertain significance for Long QT syndrome. Last evaluated: 2026-02-03. Review status: criteria provided, single submitter. Criteria: Invitae Variant Classification Sherloc (09022015). Collection method: clinical testing. Allele origin: germline.
Comment: This sequence change replaces valine, which is neutral and non-polar, with leucine, which is neutral and non-polar, at codon 1486 of the ANK2 protein (p.Val1486Leu). This variant is present in population databases (rs149678604, gnomAD 0.04%), and has an allele count higher than expected for a pathogenic variant. This variant has not been reported in the literature in individuals affected with ANK2-related conditions. ClinVar contains an entry for this variant (Variation ID: 263709). An algorithm developed to predict the effect of missense changes on protein structure and function (PolyPhen-2) suggests that this variant is likely to be tolerated. In summary, the available evidence is currently insufficient to determine the role of this variant in disease. Therefore, it has been classified as a Variant of Uncertain Significance.

Molecular Diagnostic Laboratory for Inherited Cardiovascular Disease, Montreal Heart Institute
Classification: Likely benign. Last evaluated: 2025-04-08. Review status: criteria provided, single submitter. Criteria: ACMG Guidelines, 2015. Collection method: clinical testing. Allele origin: germline. Affected: no.

Blueprint Genetics
Classification: Likely benign. Last evaluated: 2024-10-09. Review status: criteria provided, single submitter. Criteria: ACMG Guidelines, 2015. Collection method: clinical testing. Allele origin: germline.

GeneDx
Classification: Uncertain significance. Last evaluated: 2021-12-17. Review status: criteria provided, single submitter. Criteria: GeneDx Variant Classification Process June 2021. Collection method: clinical testing. Allele origin: germline. Affected: yes.
Comment: Has not been previously published as pathogenic or benign to our knowledge; In silico analysis supports that this missense variant does not alter protein structure/function; Located in exon 38, which is reported as being expressed in a brain-specific transcript (Otto et al, 1991; Cunha et al, 2008; Wu et al, 2015); Reported in ClinVar (ClinVar Variant ID# 263709; Landrum et al., 2016); This variant is associated with the following publications: (PMID: 1830053, 18790697, 26109584)

Ambry Genetics
Classification: Likely benign for Cardiovascular phenotype. Last evaluated: 2018-11-08. Review status: criteria provided, single submitter. Criteria: Ambry Variant Classification Scheme 2023. Collection method: clinical testing. Allele origin: germline.

Fulgent Genetics
Classification: Uncertain significance for Cardiac arrhythmia, ankyrin-B-related. Last evaluated: 2018-10-31. Review status: criteria provided, single submitter. Criteria: ACMG Guidelines, 2015. Collection method: clinical testing. Allele origin: unknown.

Neuberg Centre For Genomic Medicine, NCGM
Classification: Uncertain significance for Cardiac arrhythmia, ankyrin-B-related. Review status: criteria provided, single submitter. Criteria: ACMG Guidelines, 2015. Collection method: clinical testing. Allele origin: germline. Inheritance: Autosomal dominant inheritance. Affected: yes.
Comment: The missense c.1606A>G (p.Asn536Asp) variant in ANK2 gene has not been reported previously as a pathogenic variant nor as a benign variant, to our knowledge. The p.Val1486Leu variant is reported with an allele frequency of 0.01% in the gnomAD exomes database and is novel (not in any individuals) in 1000 Genomes database. This variant has been reported to the ClinVar database as Uncertain Significance. The amino acid Val at position 1486 is changed to a Leu changing protein sequence and it might alter its composition and physico-chemical properties. For these reasons, this variant has been classified as a Variant of Uncertain Significance (VUS).

PreventionGenetics, part of Exact Sciences
Classification: Uncertain significance for ANK2-related condition. Last evaluated: 2024-07-08. Review status: no assertion criteria provided. Collection method: clinical testing. Allele origin: germline. Not counted in ClinVar's aggregate classification.
Comment: The ANK2 c.4456G>C variant is predicted to result in the amino acid substitution p.Val1486Leu. This variant has been reported in two individuals with tinnitus (Martin‑Lagos et al. 2024. PubMed ID: 38507076). This variant is reported in 0.039% of alleles in individuals of European (Non-Finnish) descent in gnomAD. Although we suspect that this variant may be benign, at this time, the clinical significance of this variant is uncertain due to the absence of conclusive functional and genetic evidence.

NM_001148.6(ANK2):c.4456G>C (p.Val1486Leu)

Gene: ANK2 (ankyrin 2; plus strand). Cytogenetic location: 4q26.
Variant type: single nucleotide variant.
Coding change: c.4456G>C on transcript NM_001148.6 (MANE Select); coding-DNA position 4456, G replaced by C.
Protein change: p.Val1486Leu; replaces valine 1486 with leucine.
Molecular consequence: missense variant. On other transcripts: intron variant (68).
Genome position (GRCh38, 1-based): chr4:113,353,074, G>C. VCF-style: chr4-113353074-G-C. GRCh37 (hg19) VCF-style: chr4-114274230-G-C.
Other names: c.4222G>C, p.Val1408Leu (NM_001386142.1); c.856G>C, p.Val286Leu (NM_001386166.1); c.4597G>C, p.Val1533Leu (NM_001386174.1); c.4573G>C, p.Val1525Leu (NM_001386175.1); c.4411+2825G>C (NM_001386186.2, NM_001386148.2); c.4213+2825G>C (NM_001354269.3); c.4291+2825G>C (NM_001386187.2); c.4252+2825G>C (NM_001386147.1); and 35 more; short protein forms V1486L, V1408L, V1525L, V1533L, V286L.
Identifiers: ClinVar variation 263709 (VCV000263709.31), dbSNP rs149678604, ClinGen allele CA3051107.